The following is an entry in ClinVar:

ClinVar aggregate classification (germline): Uncertain significance (1 of 4 stars; one submission).

gnomAD v4.1: 2 of 1,613,096 alleles (0.00012%); highest among the groups gnomAD compares: South Asian, 0.0022%; no homozygotes.

Submission:

Ambry Genetics
Classification: Uncertain significance. Last evaluated: 2025-04-24. Review status: criteria provided, single submitter. Criteria: Ambry Variant Classification Scheme 2023. Collection method: clinical testing. Allele origin: germline.
Comment: The p.S2205F variant (also known as c.6614C>T), located in coding exon 28 of the WNK2 gene, results from a C to T substitution at nucleotide position 6614. The serine at codon 2205 is replaced by phenylalanine, an amino acid with highly dissimilar properties. This amino acid position is conserved. In addition, this alteration is predicted to be tolerated by in silico analysis. Based on the available evidence, the clinical significance of this variant remains unclear.

NM_006648.4(WNK2):c.6614C>T (p.Ser2205Phe)

Gene: WNK2 (WNK lysine deficient protein kinase 2; plus strand). Cytogenetic location: 9q22.31.
Variant type: single nucleotide variant.
Coding change: c.6614C>T on transcript NM_006648.4 (MANE Select); coding-DNA position 6614, C replaced by T.
Protein change: p.Ser2205Phe; replaces serine 2205 with phenylalanine.
Molecular consequence: missense variant.
Genome position (GRCh38, 1-based): chr9:93,317,617, C>T. VCF-style: chr9-93317617-C-T. GRCh37 (hg19) VCF-style: chr9-96079899-C-T.
Other names: c.6725C>T, p.Ser2242Phe (NM_001282394.3); short protein forms S2205F, S2242F.
Identifiers: ClinVar variation 3981942 (VCV003981942.1).